The following is an entry in ClinVar:

NM_001001557.4(GDF6):c.751G>A (p.Gly251Arg)

Gene: GDF6 (growth differentiation factor 6; minus strand). Cytogenetic location: 8q22.1.
Variant type: single nucleotide variant.
Coding change: c.751G>A on transcript NM_001001557.4 (MANE Select); coding-DNA position 751, G replaced by A.
Protein change: p.Gly251Arg; replaces glycine 251 with arginine.
Molecular consequence: missense variant.
Genome position (GRCh38, 1-based): chr8:96,145,180, C>T on the plus strand (G>A on the coding strand, the complement: GDF6 is on the minus strand). VCF-style: chr8-96145180-C-T. GRCh37 (hg19) VCF-style: chr8-97157408-C-T.
Other names: short protein forms G251R.
Identifiers: ClinVar variation 2501490 (VCV002501490.1), dbSNP rs1461900438, ClinGen allele CA371751943.

ClinVar aggregate classification (germline): Uncertain significance (1 of 4 stars; one submission).

Allele frequency attached by ClinVar (database versions not stated): gnomAD exomes below 0.00001.
gnomAD v4.1: 1 of 1,497,742 alleles (0.000067%); highest among the groups gnomAD compares: Admixed American, 0.0021%; no homozygotes.

Submission:

GeneDx
Classification: Uncertain significance. Last evaluated: 2022-11-04. Review status: criteria provided, single submitter. Criteria: GeneDx Variant Classification Process June 2021. Collection method: clinical testing. Allele origin: germline. Affected: yes.
Comment: Not observed at significant frequency in large population cohorts (gnomAD); In silico analysis supports that this missense variant does not alter protein structure/function; Has not been previously published as pathogenic or benign to our knowledge